The following is an entry in ClinVar:

NM_001282680.3(GAPVD1):c.2196G>A (p.Glu732=)

Gene: GAPVD1 (GTPase activating protein and VPS9 domains 1; plus strand). Cytogenetic location: 9q33.3.
Variant type: single nucleotide variant.
Coding change: c.2196G>A on transcript NM_001282680.3 (MANE Select); coding-DNA position 2196, G replaced by A.
Protein change: p.Glu732=; no amino-acid change (glutamic acid 732 retained).
Molecular consequence: synonymous variant. On other transcripts: non-coding transcript variant (2).
Genome position (GRCh38, 1-based): chr9:125,331,948, G>A. VCF-style: chr9-125331948-G-A. GRCh37 (hg19) VCF-style: chr9-128094227-G-A.
Other names: c.2196G>A, p.Glu732= (NM_001282679.2, NM_001330778.3, NM_001354294.2 and 6 more transcripts); c.2133G>A, p.Glu711= (NM_001282681.3, NM_001330777.3, NM_001354297.2 and 1 more transcripts).
Identifiers: ClinVar variation 3048563 (VCV003048563.2), dbSNP rs2540678974, ClinGen allele CA467135129.

ClinVar aggregate classification (germline): Likely benign (0 of 4 stars; one submission).

Conditions:
GAPVD1-related disorder. Also called: GAPVD1-related condition.

Submission:

PreventionGenetics, part of Exact Sciences
Classification: Likely benign for GAPVD1-related condition. Last evaluated: 2022-04-14. Review status: no assertion criteria provided. Collection method: clinical testing. Allele origin: germline.
Comment: This variant is classified as likely benign based on ACMG/AMP sequence variant interpretation guidelines (Richards et al. 2015 PMID: 25741868, with internal and published modifications).